The following is an entry in ClinVar:

ClinVar aggregate classification (germline): Uncertain significance. Review status: criteria provided, multiple submitters, no conflicts (2 of 4 stars). 2 submissions from 2 submitters: Uncertain significance (2). Last evaluated 2025-05-24.

Conditions:
Primary familial hypertrophic cardiomyopathy (HCM). Identifiers: Orphanet 99739, MedGen C0949658, MeSH D024741, MONDO:0024573. Inheritance: Various modes of inheritance.

Allele frequency attached by ClinVar (database versions not stated): TOPMed 0.00001; gnomAD 0.00002; gnomAD exomes 0.00002; ExAC 0.00003.
gnomAD v4.1: 32 of 1,614,042 alleles (0.002%); highest among the groups gnomAD compares: Admixed American, 0.005%; no homozygotes.

Submissions (2):

Ambry Genetics
Classification: Uncertain significance. Last evaluated: 2025-05-24. Review status: criteria provided, single submitter. Criteria: Ambry Variant Classification Scheme 2023. Collection method: clinical testing. Allele origin: germline.
Comment: The p.R43Q variant (also known as c.128G>A), located in coding exon 2 of the ILK gene, results from a G to A substitution at nucleotide position 128. The arginine at codon 43 is replaced by glutamine, an amino acid with highly similar properties. This amino acid position is conserved. In addition, the in silico prediction for this alteration is inconclusive. Based on the available evidence, the clinical significance of this variant remains unclear.

Labcorp Genetics (formerly Invitae), Labcorp
Classification: Uncertain significance for Primary familial hypertrophic cardiomyopathy. Last evaluated: 2025-04-10. Review status: criteria provided, single submitter. Criteria: Invitae Variant Classification Sherloc (09022015). Collection method: clinical testing. Allele origin: germline.
Comment: This sequence change replaces arginine, which is basic and polar, with glutamine, which is neutral and polar, at codon 43 of the ILK protein (p.Arg43Gln). This variant is present in population databases (rs768217957, gnomAD 0.01%). This variant has not been reported in the literature in individuals affected with ILK-related conditions. ClinVar contains an entry for this variant (Variation ID: 1401337). An algorithm developed to predict the effect of missense changes on protein structure and function (PolyPhen-2) suggests that this variant is likely to be tolerated. In summary, the available evidence is currently insufficient to determine the role of this variant in disease. Therefore, it has been classified as a Variant of Uncertain Significance.

NM_004517.4(ILK):c.128G>A (p.Arg43Gln)

Genes: TAF10 (TATA-box binding protein associated factor 10; minus strand), ILK (integrin linked kinase; plus strand). Cytogenetic location: 11p15.4.
Variant type: single nucleotide variant.
Coding change: c.128G>A on transcript NM_004517.4 (MANE Select); coding-DNA position 128, G replaced by A.
Protein change: p.Arg43Gln; replaces arginine 43 with glutamine.
Molecular consequence: missense variant. On other transcripts: 3 prime UTR variant (1), intron variant (1).
Genome position (GRCh38, 1-based): chr11:6,608,084, G>A. VCF-style: chr11-6608084-G-A. GRCh37 (hg19) VCF-style: chr11-6629314-G-A.
Other names: c.128G>A, p.Arg43Gln (NM_001014794.3, NM_001014795.3, NM_001278441.2); c.*2838C>T (NM_006284.4); c.-147-310G>A (NM_001278442.2); short protein forms R43Q.
Identifiers: ClinVar variation 1401337 (VCV001401337.9), dbSNP rs768217957, ClinGen allele CA5857952.